The following is an entry in ClinVar:

NM_000094.4(COL7A1):c.812G>A (p.Gly271Glu)

Gene: COL7A1 (collagen type VII alpha 1 chain; minus strand). Cytogenetic location: 3p21.31.
Variant type: single nucleotide variant.
Coding change: c.812G>A on transcript NM_000094.4 (MANE Select); coding-DNA position 812, G replaced by A.
Protein change: p.Gly271Glu; replaces glycine 271 with glutamic acid.
Molecular consequence: missense variant.
Genome position (GRCh38, 1-based): chr3:48,592,809, C>T on the plus strand (G>A on the coding strand, the complement: COL7A1 is on the minus strand). VCF-style: chr3-48592809-C-T. GRCh37 (hg19) VCF-style: chr3-48630242-C-T.
Other names: short protein forms G271E.
Identifiers: ClinVar variation 2116932 (VCV002116932.4), dbSNP rs1378577663, ClinGen allele CA352741367.
Genomic context (GRCh38, chr3:48,592,809, plus strand): 5'-ACCACCTATCACTCCTGACATCCTACCTCCTGCCGCTCACTCGGCAGTGGCTGTCCCAGC[C>T]CCGTCAGAGGAGTGTACTGGACCTTGTAGCCAGTCACAGGGCCACTGGCCGCTGTCCACT-3'
Protein context (NP_000085.1, residues 261-281): GYKVQYTPLT[Gly271Glu]LGQPLPSERQ

ClinVar aggregate classification (germline): Uncertain significance (1 of 4 stars; one submission).

gnomAD v4.1: 1 of 1,613,810 alleles (0.000062%); highest among the groups gnomAD compares: Non-Finnish European, 0.000085%; no homozygotes.

Submission:

Labcorp Genetics (formerly Invitae), Labcorp
Classification: Uncertain significance. Last evaluated: 2022-03-26. Review status: criteria provided, single submitter. Criteria: Invitae Variant Classification Sherloc (09022015). Collection method: clinical testing. Allele origin: germline.
Comment: In summary, the available evidence is currently insufficient to determine the role of this variant in disease. Therefore, it has been classified as a Variant of Uncertain Significance. Algorithms developed to predict the effect of sequence changes on RNA splicing suggest that this variant may disrupt the consensus splice site. Advanced modeling of protein sequence and biophysical properties (such as structural, functional, and spatial information, amino acid conservation, physicochemical variation, residue mobility, and thermodynamic stability) performed at Invitae indicates that this missense variant is expected to disrupt COL7A1 protein function. This variant has not been reported in the literature in individuals affected with COL7A1-related conditions. This variant is not present in population databases (gnomAD no frequency). This sequence change replaces glycine, which is neutral and non-polar, with glutamic acid, which is acidic and polar, at codon 271 of the COL7A1 protein (p.Gly271Glu).